The following is an entry in ClinVar:

ClinVar aggregate classification (germline): Pathogenic/Likely pathogenic. Review status: criteria provided, multiple submitters, no conflicts (2 of 4 stars). 16 submissions from 15 submitters: Pathogenic (11); Likely pathogenic (3). 2 of the submissions do not count toward it. Last evaluated 2026-01-11.

Conditions:
Rare genetic deafness. Identifiers: Orphanet 96210, MedGen C5680250.
Usher syndrome. Also called: Usher Syndromes; Usher's syndrome. Identifiers: Orphanet 886, MedGen CN469326, MeSH D052245, MONDO:0019501. Disease mechanism: loss of function.
USH2A-related disorder. Also called: USH2A-related condition; USH2A-related disorders. Identifiers: MedGen CN239332.
Usher syndrome type 2A. Also called: USHER SYNDROME, TYPE IIA; RETINAL DISEASE IN USHER SYNDROME TYPE IIA, MODIFIER OF. Identifiers: Orphanet 231178, Orphanet 886, MedGen C1848634, MONDO:0010169, OMIM 276901.
Retinitis pigmentosa 39 (RP39). Identifiers: Orphanet 791, MedGen C3151138, MONDO:0013436, OMIM 613809.
Retinitis pigmentosa (RP). Identifiers: Orphanet 791, MedGen C0035334, MeSH D012174, MONDO:0019200, OMIM 268000. Inheritance: Autosomal dominant, autosomal recessive and X linked inheritance.
Retinal disorder. Also called: Retinopathy; Retinopathies; Retinal Diseases; Retinal disorders. Identifiers: MedGen C0035309, MONDO:0005283, HP:0000488.

Allele frequency attached by ClinVar (database versions not stated): gnomAD 0.00001; gnomAD exomes 0.00002 and 0.00006; TOPMed 0.00002.
gnomAD v4.1: 89 of 1,613,758 alleles (0.0055%); highest among the groups gnomAD compares: Non-Finnish European, 0.0071%; no homozygotes.

Submissions (16):

Labcorp Genetics (formerly Invitae), Labcorp
Classification: Pathogenic. Last evaluated: 2026-01-11. Review status: criteria provided, single submitter. Criteria: Invitae Variant Classification Sherloc (09022015). Collection method: clinical testing. Allele origin: germline.
Comment: This sequence change creates a premature translational stop signal (p.Trp2994*) in the USH2A gene. It is expected to result in an absent or disrupted protein product. Loss-of-function variants in USH2A are known to be pathogenic (PMID: 10729113, 10909849, 20507924, 25649381). This variant is present in population databases (rs397518041, gnomAD 0.007%). This premature translational stop signal has been observed in individual(s) with Usher syndrome or retinitis pigmentosa (PMID: 19881469, 28041643). ClinVar contains an entry for this variant (Variation ID: 48611). Algorithms developed to predict the effect of sequence changes on RNA splicing suggest that this variant may disrupt the consensus splice site. For these reasons, this variant has been classified as Pathogenic.

Genetics Laboratory, Great Ormond Street Hospital NHS Foundation Trust, North Thames Genomic Laboratory Hub
Classification: Pathogenic for Retinal disorders. Last evaluated: 2026-01-06. Review status: criteria provided, single submitter. Criteria: ACGS Best Practice Guidelines for Variant Classification in Rare Disease 2024 v1.2. Collection method: clinical testing. Allele origin: germline. Affected: yes.
Comment: PM2_moderate, PVS1_very-strong, PM3_strong

First Genomix Gene Laboratory, Genetic Diagnostics Department
Classification: Likely pathogenic for Usher syndrome type 2A; Retinitis pigmentosa 39. Last evaluated: 2025-12-31. Review status: criteria provided, single submitter. Criteria: ACMG Guidelines, 2015. Collection method: clinical testing. Allele origin: germline. Inheritance: Autosomal recessive inheritance. Affected: no. Observed: 1 variant allele.

Natera, Inc.
Classification: Pathogenic for Usher syndrome type 2A. Last evaluated: 2025-05-20. Review status: criteria provided, single submitter. Criteria: Natera Variant Classification Schema (03/2026). Collection method: clinical testing. Allele origin: germline.
Comment: The c.8981G>A variant in USH2A is a nonsense variant predicted to introduce a stop codon at amino acid 2994. This variant is expected to result in nonsense mediated decay, truncation, or a dysfunctional protein product. This variant is rare in the general population with a frequency below the threshold expected for the associated phenotype(s). This variant has been observed in one or more individuals affected with the associated recessive disease, as either homozygous or compound heterozygous with a second variant (PMID: 34203967). Given the available evidence, this variant is classified as Pathogenic.

GeneDx
Classification: Pathogenic. Last evaluated: 2024-10-24. Review status: criteria provided, single submitter. Criteria: GeneDx Variant Classification Process June 2021. Collection method: clinical testing. Allele origin: germline. Affected: yes.
Comment: Nonsense variant predicted to result in protein truncation or nonsense mediated decay in a gene for which loss of function is a known mechanism of disease; Not observed at significant frequency in large population cohorts (gnomAD); This variant is associated with the following publications: (PMID: 25525159, 28041643, 28559085, 31266775, 32037395, 35266249, 31964843, 19881469, 25649381, 34906470, 35457016, 37466950)

Fulgent Genetics
Classification: Pathogenic for Usher syndrome type 2A; Retinitis pigmentosa 39. Last evaluated: 2024-04-19. Review status: criteria provided, single submitter. Criteria: ACMG Guidelines, 2015. Collection method: clinical testing. Allele origin: germline.

Baylor Genetics
Classification: Pathogenic for Retinitis pigmentosa 39. Last evaluated: 2024-03-24. Review status: criteria provided, single submitter. Criteria: ACMG Guidelines, 2015. Collection method: clinical testing. Allele origin: unknown.

Blueprint Genetics
Classification: Pathogenic for USH2A-related disorders. Last evaluated: 2024-01-10. Review status: criteria provided, single submitter. Criteria: ACMG Guidelines, 2015. Collection method: clinical testing. Allele origin: germline. Affected: yes. Observed: 5 variant alleles.

Genome-Nilou Lab
Classification: Likely pathogenic for Retinitis pigmentosa 39. Last evaluated: 2023-11-04. Review status: criteria provided, single submitter. Criteria: ACMG Guidelines, 2015. Collection method: clinical testing. Allele origin: germline. Affected: no.

Genome-Nilou Lab
Classification: Likely pathogenic for Usher syndrome type 2A. Last evaluated: 2023-11-04. Review status: criteria provided, single submitter. Criteria: ACMG Guidelines, 2015. Collection method: clinical testing. Allele origin: germline. Affected: no.

Ocular Genomics Institute, Massachusetts Eye and Ear
Classification: Pathogenic for Retinitis pigmentosa 39. Last evaluated: 2021-04-08. Review status: criteria provided, single submitter. Criteria: ACMG Guidelines, 2015. Collection method: research. Allele origin: germline. Affected: yes.
Comment: Through a review of available evidence we were able to apply the following criteria: PVS1, PM2, PP3. Based on this evidence we have classified this variant as Pathogenic.

Victorian Clinical Genetics Services, Murdoch Childrens Research Institute
Classification: Pathogenic for Usher syndrome type 2A. Last evaluated: 2020-05-01. Review status: criteria provided, single submitter. Criteria: ACMG Guidelines, 2015. Collection method: clinical testing. Allele origin: germline. Inheritance: Autosomal recessive inheritance. Affected: yes.
Comment: Based on the classification scheme VCGS_Germline_v1.1.1, this variant is classified as Pathogenic. Following criteria are met: 0102 - Loss-of-function is a known mechanism of disease for this gene. (N) 0106 - This gene is known to be associated with autosomal recessive disease. (N) 0201 - Variant is predicted to cause nonsense-mediated decay (NMD) and loss of protein (exon 45 of 72). (P) 0251 - Variant is heterozygous. (N) 0304 - Variant is present in gnomAD <0.01 for a recessive condition (4 heterozygotes, 0 homozygotes). (P) 0701 - Comparable variants have very strong previous evidence for pathogenicity. More than 10 NMD-predicted variants have been reported as likely pathogenic/pathogenic (ClinVar). (P) 0801 - Strong previous evidence of pathogenicity in unrelated individuals. This variant has been reported in unrelated patients with Usher syndrome and retinitis pigmentosa (PMIDs: 19881469, 28041643), and as pathogenic in ClinVar. (N) Legend: (P) - Pathogenic, (N) - Neutral, (B) - Benign

Women's Health and Genetics/Laboratory Corporation of America, LabCorp
Classification: Pathogenic for Usher syndrome. Last evaluated: 2019-10-25. Review status: criteria provided, single submitter. Criteria: LabCorp Variant Classification Summary - May 2015. Collection method: clinical testing. Allele origin: germline.
Comment: Variant summary: USH2A c.8981G>A (p.Trp2994X) results in a premature termination codon, predicted to cause a truncation of the encoded protein or absence of the protein due to nonsense mediated decay, which are commonly known mechanisms for disease. The variant allele was found at a frequency of 1.6e-05 in 251094 control chromosomes (gnomAD). c.8981G>A has been reported in the literature in individuals affected with Usher syndrome and retinitis pigmentosa (e.g. Carss_2017, Stone_2017, Yan_2009). These data indicate that the variant is likely to be associated with disease. To our knowledge, no experimental evidence demonstrating an impact on protein function has been reported. Three ClinVar submitters (evaluation after 2014) cite the variant twice as pathogenic and once as likely pathogenic. Based on the evidence outlined above, the variant was classified as pathogenic.

Laboratory for Molecular Medicine, Mass General Brigham Personalized Medicine
Classification: Pathogenic for Rare genetic deafness. Last evaluated: 2010-04-02. Review status: criteria provided, single submitter. Criteria: LMM Criteria. Collection method: clinical testing. Allele origin: germline. Inheritance: Autosomal recessive inheritance. Observed: 3 variant alleles.
Comment: The Trp2994X variant in USH2A has been reported in 2 probands with Usher syndrom e (Yan 2009). In addition, this variant leads to a premature stop codon at posit ion 2994 and therefore, is predicted to lead to a truncated or absent protein. I n summary, this variant meets our criteria to be classified as pathogenic.

Counsyl
Classification: Likely pathogenic for Usher syndrome type 2A; Retinitis pigmentosa 39. Last evaluated: 2017-04-12. Review status: no assertion criteria provided. Collection method: clinical testing. Allele origin: unknown. Not counted in ClinVar's aggregate classification.

NIHR Bioresource Rare Diseases, University of Cambridge
Classification: Pathogenic for Retinitis pigmentosa. Last evaluated: 2015-01-01. Review status: no assertion criteria provided. Collection method: research. Allele origin: unknown. Affected: yes. Observed: 1 variant allele. Not counted in ClinVar's aggregate classification.

Literature cited by the submitters: PubMed 10729113 (cited by Labcorp Genetics (formerly Invitae), Labcorp); PubMed 10909849 (cited by Labcorp Genetics (formerly Invitae), Labcorp); PubMed 20507924 (cited by Labcorp Genetics (formerly Invitae), Labcorp); PubMed 25649381 (cited by Labcorp Genetics (formerly Invitae), Labcorp); PubMed 19881469 (cited by 7 submitters); PubMed 28041643 (cited by 4 submitters); PubMed 34203967 (cited by Natera, Inc.); PubMed 28559085 (cited by Women's Health and Genetics/Laboratory Corporation of America, LabCorp).

NM_206933.4(USH2A):c.8981G>A (p.Trp2994Ter)

Gene: USH2A (usherin; minus strand). Cytogenetic location: 1q41.
Variant type: single nucleotide variant.
Coding change: c.8981G>A on transcript NM_206933.4 (MANE Select); coding-DNA position 8981, G replaced by A.
Protein change: p.Trp2994Ter; replaces tryptophan 2994 with a stop codon.
Molecular consequence: nonsense.
Genome position (GRCh38, 1-based): chr1:215,845,898, C>T on the plus strand (G>A on the coding strand, the complement: USH2A is on the minus strand). VCF-style: chr1-215845898-C-T. GRCh37 (hg19) VCF-style: chr1-216019240-C-T.
Other names: short protein forms W2994*.
Identifiers: ClinVar variation 48611 (VCV000048611.29), dbSNP rs397518041, ClinGen allele CA262123.